The following is an entry in ClinVar:

ClinVar aggregate classification (germline): Uncertain significance (1 of 4 stars; one submission).

Allele frequency attached by ClinVar (database versions not stated): TOPMed below 0.00001; gnomAD 0.00001.

Submission:

Labcorp Genetics (formerly Invitae), Labcorp
Classification: Uncertain significance. Last evaluated: 2022-07-12. Review status: criteria provided, single submitter. Criteria: Invitae Variant Classification Sherloc (09022015). Collection method: clinical testing. Allele origin: germline.
Comment: ClinVar contains an entry for this variant (Variation ID: 1388315). This sequence change creates a premature translational stop signal (p.Gln182*) in the PDSS2 gene. It is expected to result in an absent or disrupted protein product. However, the current clinical and genetic evidence is not sufficient to establish whether loss-of-function variants in PDSS2 cause disease. This variant is not present in population databases (gnomAD no frequency). This variant has not been reported in the literature in individuals affected with PDSS2-related conditions. Algorithms developed to predict the effect of sequence changes on RNA splicing suggest that this variant may create or strengthen a splice site. In summary, the available evidence is currently insufficient to determine the role of this variant in disease. Therefore, it has been classified as a Variant of Uncertain Significance.

NM_020381.4(PDSS2):c.544C>T (p.Gln182Ter)

Gene: PDSS2 (decaprenyl diphosphate synthase subunit 2; minus strand). Cytogenetic location: 6q21.
Variant type: single nucleotide variant.
Coding change: c.544C>T on transcript NM_020381.4 (MANE Select); coding-DNA position 544, C replaced by T.
Protein change: p.Gln182Ter; replaces glutamine 182 with a stop codon.
Molecular consequence: nonsense.
Genome position (GRCh38, 1-based): chr6:107,274,115, G>A on the plus strand (C>T on the coding strand, the complement: PDSS2 is on the minus strand). VCF-style: chr6-107274115-G-A. GRCh37 (hg19) VCF-style: chr6-107595319-G-A.
Other names: short protein forms Q182*.
Identifiers: ClinVar variation 1388315 (VCV001388315.6), dbSNP rs1177375665, ClinGen allele CA365324361.